The following is an entry in ClinVar:

NM_000393.5(COL5A2):c.3208C>A (p.Arg1070Ser)

Gene: COL5A2 (collagen type V alpha 2 chain; minus strand). Cytogenetic location: 2q32.2.
Variant type: single nucleotide variant.
Coding change: c.3208C>A on transcript NM_000393.5 (MANE Select); coding-DNA position 3208, C replaced by A.
Protein change: p.Arg1070Ser; replaces arginine 1070 with serine.
Molecular consequence: missense variant.
Genome position (GRCh38, 1-based): chr2:189,045,901, G>T on the plus strand (C>A on the coding strand, the complement: COL5A2 is on the minus strand). VCF-style: chr2-189045901-G-T. GRCh37 (hg19) VCF-style: chr2-189910627-G-T.
Other names: short protein forms R1070S.
Identifiers: ClinVar variation 4869276 (VCV004869276.1).
Genomic context (GRCh38, chr2:189,045,901, plus strand): 5'-GGCCAGGAGTTCCAGGGGCACCCTGAGAGCCTGGCAGACCTGCAGGCCCAGGGTCTCCAC[G>T]ATCACCCTAACAAGAATAACCATGATATTATTTTTTAACATTTATTCTAAAACAACAATA-3'
Protein context (NP_000384.2, residues 1060-1080): RDGAVGERGD[Arg1070Ser]GDPGPAGLPG

ClinVar aggregate classification (germline): Uncertain significance (1 of 4 stars; one submission).

Conditions:
Familial thoracic aortic aneurysm and aortic dissection (TAAD). Also called: Thoracic aortic aneurysms and dissections. Identifiers: Orphanet 91387, MedGen C4707243, MONDO:0019625.

Submission:

Ambry Genetics
Classification: Uncertain significance for Familial thoracic aortic aneurysm and aortic dissection. Last evaluated: 2026-06-14. Review status: criteria provided, single submitter. Criteria: Ambry Variant Classification Scheme 2023. Collection method: clinical testing. Allele origin: germline.
Comment: The p.R1070S variant (also known as c.3208C>A), located in coding exon 46 of the COL5A2 gene, results from a C to A substitution at nucleotide position 3208. The arginine at codon 1070 is replaced by serine, an amino acid with dissimilar properties. This amino acid position is conserved. In addition, this alteration is predicted to be deleterious by in silico analysis. Based on the available evidence, the clinical significance of this variant remains unclear.